The following is an entry in ClinVar:

NM_014727.3(KMT2B):c.5981C>T (p.Ala1994Val)

Gene: KMT2B (lysine methyltransferase 2B; plus strand). Cytogenetic location: 19q13.12.
Variant type: single nucleotide variant.
Coding change: c.5981C>T on transcript NM_014727.3 (MANE Select); coding-DNA position 5981, C replaced by T.
Protein change: p.Ala1994Val; replaces alanine 1994 with valine.
Molecular consequence: missense variant.
Genome position (GRCh38, 1-based): chr19:35,732,530, C>T. VCF-style: chr19-35732530-C-T. GRCh37 (hg19) VCF-style: chr19-36223431-C-T.
Other names: c.5981C>T (NM_014727.1); short protein forms A1994V.
Identifiers: ClinVar variation 1305871 (VCV001305871.12), dbSNP rs546000224, ClinGen allele CA9385575.
Genomic context (GRCh38, chr19:35,732,530, plus strand): 5'-GCCCAGACTTCGAGGACATGGAGGTGGTGTCAGGACTGAGTGCTGCTGACCTGGACTTCG[C>T]GGCCAGCCTGCTGGGGACTGAGCCCTTCCAGGAAGAGATTGTAGCCGCTGGGGCCATGGG-3'
Protein context (NP_055542.1, residues 1984-2004): SGLSAADLDF[Ala1994Val]ASLLGTEPFQ

ClinVar aggregate classification (germline): Conflicting classifications of pathogenicity. Review status: criteria provided, conflicting classifications (1 of 4 stars). 3 submissions from 3 submitters: Uncertain significance (1); Likely benign (2). Last evaluated 2025-09-02.

Conditions:
Inborn genetic diseases. Identifiers: MedGen C0950123, MeSH D030342.

Allele frequency attached by ClinVar (database versions not stated): ExAC 0.00009; gnomAD exomes 0.00011; gnomAD 0.00014; 1000 Genomes Project 0.00020; 1000 Genomes Project 30x 0.00031; TOPMed 0.00031.
gnomAD v4.1: 117 of 1,613,926 alleles (0.0072%); highest among the groups gnomAD compares: South Asian, 0.068%; 1 homozygote.

Submissions (3):

Labcorp Genetics (formerly Invitae), Labcorp
Classification: Likely benign. Last evaluated: 2025-09-02. Review status: criteria provided, single submitter. Criteria: Invitae Variant Classification Sherloc (09022015). Collection method: clinical testing. Allele origin: germline.

GeneDx
Classification: Uncertain significance. Last evaluated: 2024-09-07. Review status: criteria provided, single submitter. Criteria: GeneDx Variant Classification Process June 2021. Collection method: clinical testing. Allele origin: germline. Affected: yes.
Comment: In silico analysis, which includes protein predictors and evolutionary conservation, supports that this variant does not alter protein structure/function; Has not been previously published as pathogenic or benign to our knowledge

Ambry Genetics
Classification: Likely benign for Inborn genetic diseases. Last evaluated: 2022-06-06. Review status: criteria provided, single submitter. Criteria: Ambry Variant Classification Scheme 2023. Collection method: clinical testing. Allele origin: germline.